The following is an entry in ClinVar:

ClinVar aggregate classification (germline): Benign/Likely benign. Review status: criteria provided, multiple submitters, no conflicts (2 of 4 stars). 3 submissions from 3 submitters: Benign (1); Likely benign (2). Last evaluated 2024-10-11.

Conditions:
Hereditary cancer-predisposing syndrome. Also called: Neoplastic Syndromes, Hereditary; Hereditary Cancer Syndrome; Tumor predisposition; Hereditary neoplastic syndrome. Identifiers: Orphanet 140162, MedGen C0027672, MeSH D009386, MONDO:0015356.
BAP1-related tumor predisposition syndrome (TPDS1). Also called: TUMOR PREDISPOSITION SYNDROME 1; BAP1 tumor predisposition syndrome; Tumor susceptibility linked to germline BAP1 mutations; COMMON Syndrome. Identifiers: Orphanet 289539, MedGen C3280492, MONDO:0013692, OMIM 614327.

Allele frequency attached by ClinVar (database versions not stated): gnomAD exomes below 0.00001.
gnomAD v4.1: 1 of 1,614,140 alleles (0.000062%); highest among the groups gnomAD compares: Non-Finnish European, 0.000085%; no homozygotes.

Submissions (3):

Ambry Genetics
Classification: Likely benign for Hereditary cancer-predisposing syndrome. Last evaluated: 2024-10-11. Review status: criteria provided, single submitter. Criteria: Ambry Variant Classification Scheme 2023. Collection method: clinical testing. Allele origin: germline.

Myriad Genetics, Inc.
Classification: Benign for BAP1-related tumor predisposition syndrome. Last evaluated: 2024-07-15. Review status: criteria provided, single submitter. Criteria: Myriad Autosomal Dominant, Autosomal Recessive and X-Linked Classification Criteria (2023). Collection method: clinical testing. Allele origin: unknown.
Comment: This variant is considered benign. This variant is a silent/synonymous amino acid change and it is not expected to impact splicing.

Labcorp Genetics (formerly Invitae), Labcorp
Classification: Likely benign for BAP1-related tumor predisposition syndrome. Last evaluated: 2022-10-17. Review status: criteria provided, single submitter. Criteria: Invitae Variant Classification Sherloc (09022015). Collection method: clinical testing. Allele origin: germline.

Literature cited by the submitters: PubMed 38969833 (cited by Ambry Genetics).

NM_004656.4(BAP1):c.690G>C (p.Leu230=)

Gene: BAP1 (BRCA1 associated deubiquitinase 1; minus strand). Cytogenetic location: 3p21.1.
Variant type: single nucleotide variant.
Coding change: c.690G>C on transcript NM_004656.4 (MANE Select); coding-DNA position 690, G replaced by C.
Protein change: p.Leu230=; no amino-acid change (leucine 230 retained).
Molecular consequence: synonymous variant.
Genome position (GRCh38, 1-based): chr3:52,406,346, C>G on the plus strand (G>C on the coding strand, the complement: BAP1 is on the minus strand). VCF-style: chr3-52406346-C-G. GRCh37 (hg19) VCF-style: chr3-52440362-C-G.
Other names: c.690G>C (NM_004656.2).
Identifiers: ClinVar variation 1529091 (VCV001529091.10), dbSNP rs1705157587, ClinGen allele CA433776354.